The following is an entry in ClinVar:

ClinVar aggregate classification (germline): Uncertain significance (1 of 4 stars; one submission).

Submission:

Ambry Genetics
Classification: Uncertain significance. Last evaluated: 2025-06-02. Review status: criteria provided, single submitter. Criteria: Ambry Variant Classification Scheme 2023. Collection method: clinical testing. Allele origin: germline.
Comment: The p.E1803D variant (also known as c.5409G>T), located in coding exon 22 of the WNK2 gene, results from a G to T substitution at nucleotide position 5409. The glutamic acid at codon 1803 is replaced by aspartic acid, an amino acid with highly similar properties. This amino acid position is conserved. In addition, this alteration is predicted to be tolerated by in silico analysis. Based on the available evidence, the clinical significance of this variant remains unclear.

NM_006648.4(WNK2):c.5409G>T (p.Glu1803Asp)

Gene: WNK2 (WNK lysine deficient protein kinase 2; plus strand). Cytogenetic location: 9q22.31.
Variant type: single nucleotide variant.
Coding change: c.5409G>T on transcript NM_006648.4 (MANE Select); coding-DNA position 5409, G replaced by T.
Protein change: p.Glu1803Asp; replaces glutamic acid 1803 with aspartic acid.
Molecular consequence: missense variant.
Genome position (GRCh38, 1-based): chr9:93,292,874, G>T. VCF-style: chr9-93292874-G-T. GRCh37 (hg19) VCF-style: chr9-96055156-G-T.
Other names: c.5520G>T, p.Glu1840Asp (NM_001282394.3); short protein forms E1803D, E1840D.
Identifiers: ClinVar variation 3982155 (VCV003982155.1).